The following is an entry in ClinVar:

NM_207421.4(PADI6):c.135C>T (p.Cys45=)

Gene: PADI6 (peptidyl arginine deiminase 6; plus strand). Cytogenetic location: 1p36.13.
Variant type: single nucleotide variant.
Coding change: c.135C>T on transcript NM_207421.4 (MANE Select); coding-DNA position 135, C replaced by T.
Protein change: p.Cys45=; no amino-acid change (cysteine 45 retained).
Molecular consequence: synonymous variant.
Genome position (GRCh38, 1-based): chr1:17,373,074, C>T. VCF-style: chr1-17373074-C-T. GRCh37 (hg19) VCF-style: chr1-17699569-C-T.
Identifiers: ClinVar variation 3031452 (VCV003031452.2), dbSNP rs771669452, ClinGen allele CA641219.

ClinVar aggregate classification (germline): Likely benign (0 of 4 stars; one submission).

Conditions:
PADI6-related disorder. Also called: PADI6-related condition.

Allele frequency attached by ClinVar (database versions not stated): TOPMed 0.00002; gnomAD 0.00003; ExAC 0.00006; gnomAD exomes 0.00006.
gnomAD v4.1: 89 of 1,613,764 alleles (0.0055%); highest among the groups gnomAD compares: Non-Finnish European, 0.0075%; no homozygotes.

Submission:

PreventionGenetics, part of Exact Sciences
Classification: Likely benign for PADI6-related condition. Last evaluated: 2022-07-25. Review status: no assertion criteria provided. Collection method: clinical testing. Allele origin: germline.
Comment: This variant is classified as likely benign based on ACMG/AMP sequence variant interpretation guidelines (Richards et al. 2015 PMID: 25741868, with internal and published modifications).